The following is an entry in ClinVar:

NM_005566.4(LDHA):c.7A>G (p.Thr3Ala)

Gene: LDHA (lactate dehydrogenase A; plus strand). Cytogenetic location: 11p15.1.
Variant type: single nucleotide variant.
Coding change: c.7A>G on transcript NM_005566.4 (MANE Select); coding-DNA position 7, A replaced by G.
Protein change: p.Thr3Ala; replaces threonine 3 with alanine.
Molecular consequence: missense variant. On other transcripts: non-coding transcript variant (1).
Genome position (GRCh38, 1-based): chr11:18,396,849, A>G. VCF-style: chr11-18396849-A-G. GRCh37 (hg19) VCF-style: chr11-18418396-A-G.
Other names: c.7A>G, p.Thr3Ala (NM_001135239.2, NM_001165415.2, NM_001165416.2); c.94A>G, p.Thr32Ala (NM_001165414.2); short protein forms T32A, T3A.
Identifiers: ClinVar variation 2172379 (VCV002172379.4), dbSNP rs375339263, ClinGen allele CA218581673.

ClinVar aggregate classification (germline): Uncertain significance (1 of 4 stars; one submission).

Conditions:
Glycogen storage disease due to lactate dehydrogenase M-subunit deficiency (GSD11). Also called: Glycogen storage disease XI; GSD XI; LACTATE DEHYDROGENASE A DEFICIENCY. Identifiers: Orphanet 284426, MedGen C2931743, MONDO:0013047, OMIM 612933.

Allele frequency attached by ClinVar (database versions not stated): ESP Exome Variant Server 0.00008; gnomAD exomes below 0.00001.
gnomAD v4.1: 4 of 1,612,236 alleles (0.00025%); highest among the groups gnomAD compares: Admixed American, 0.0017%; no homozygotes.

Submission:

Labcorp Genetics (formerly Invitae), Labcorp
Classification: Uncertain significance for Glycogen storage disease due to lactate dehydrogenase M-subunit deficiency. Last evaluated: 2025-10-02. Review status: criteria provided, single submitter. Criteria: Invitae Variant Classification Sherloc (09022015). Collection method: clinical testing. Allele origin: germline.
Comment: This sequence change replaces threonine, which is neutral and polar, with alanine, which is neutral and non-polar, at codon 3 of the LDHA protein (p.Thr3Ala). This variant is present in population databases (rs375339263, gnomAD 0.003%). This variant has not been reported in the literature in individuals affected with LDHA-related conditions. ClinVar contains an entry for this variant (Variation ID: 2172379). An algorithm developed to predict the effect of missense changes on protein structure and function outputs the following: PolyPhen-2: "Benign". The alanine amino acid residue is found in multiple mammalian species, which suggests that this missense change does not adversely affect protein function. In summary, the available evidence is currently insufficient to determine the role of this variant in disease. Therefore, it has been classified as a Variant of Uncertain Significance.